The following is an entry in ClinVar:

NM_022829.6(SLC13A3):c.1533T>G (p.Ile511Met)

Gene: SLC13A3 (solute carrier family 13 member 3; minus strand). Cytogenetic location: 20q13.12.
Variant type: single nucleotide variant.
Coding change: c.1533T>G on transcript NM_022829.6 (MANE Select); coding-DNA position 1533, T replaced by G.
Protein change: p.Ile511Met; replaces isoleucine 511 with methionine.
Molecular consequence: missense variant.
Genome position (GRCh38, 1-based): chr20:46,563,513, A>C on the plus strand (T>G on the coding strand, the complement: SLC13A3 is on the minus strand). VCF-style: chr20-46563513-A-C. GRCh37 (hg19) VCF-style: chr20-45192152-A-C.
Other names: c.1392T>G, p.Ile464Met (NM_001011554.3); c.1383T>G, p.Ile461Met (NM_001193339.2); c.1287T>G, p.Ile429Met (NM_001193340.2); c.1239T>G, p.Ile413Met (NM_001193342.2); short protein forms I429M, I461M, I511M, I413M, I464M.
Identifiers: ClinVar variation 2067573 (VCV002067573.3), dbSNP rs147452159, ClinGen allele CA9891221.

ClinVar aggregate classification (germline): Uncertain significance (1 of 4 stars; one submission).

Allele frequency attached by ClinVar (database versions not stated): gnomAD exomes 0.00001; ExAC 0.00002; ESP Exome Variant Server 0.00008; TOPMed 0.00010; gnomAD 0.00013.
gnomAD v4.1: 31 of 1,613,934 alleles (0.0019%); highest among the groups gnomAD compares: African/African-American, 0.039%; no homozygotes.

Submission:

Labcorp Genetics (formerly Invitae), Labcorp
Classification: Uncertain significance. Last evaluated: 2023-08-14. Review status: criteria provided, single submitter. Criteria: Invitae Variant Classification Sherloc (09022015). Collection method: clinical testing. Allele origin: germline.
Comment: This variant has not been reported in the literature in individuals affected with SLC13A3-related conditions. In summary, the available evidence is currently insufficient to determine the role of this variant in disease. Therefore, it has been classified as a Variant of Uncertain Significance. Advanced modeling of protein sequence and biophysical properties (such as structural, functional, and spatial information, amino acid conservation, physicochemical variation, residue mobility, and thermodynamic stability) performed at Invitae indicates that this missense variant is not expected to disrupt SLC13A3 protein function. ClinVar contains an entry for this variant (Variation ID: 2067573). This variant is present in population databases (rs147452159, gnomAD 0.03%). This sequence change replaces isoleucine, which is neutral and non-polar, with methionine, which is neutral and non-polar, at codon 511 of the SLC13A3 protein (p.Ile511Met).